The following is an entry in ClinVar:

NM_001278716.2(FBXL4):c.558C>G (p.Ser186=)

Gene: FBXL4 (F-box and leucine rich repeat protein 4; minus strand). Cytogenetic location: 6q16.2.
Variant type: single nucleotide variant.
Coding change: c.558C>G on transcript NM_001278716.2 (MANE Select); coding-DNA position 558, C replaced by G.
Protein change: p.Ser186=; no amino-acid change (serine 186 retained).
Molecular consequence: synonymous variant.
Genome position (GRCh38, 1-based): chr6:98,917,674, G>C on the plus strand (C>G on the coding strand, the complement: FBXL4 is on the minus strand). VCF-style: chr6-98917674-G-C. GRCh37 (hg19) VCF-style: chr6-99365550-G-C.
Other names: c.558C>G, p.Ser186= (NM_012160.5).
Identifiers: ClinVar variation 437597 (VCV000437597.1), dbSNP rs766972168, ClinGen allele CA3933656.

ClinVar aggregate classification (germline): Uncertain significance (1 of 4 stars; one submission).

Conditions:
Mitochondrial DNA depletion syndrome 13. Also called: FBXL4-Related Encephalomyopathic Mitochondrial DNA Depletion Syndrome; Mitochondrial DNA depletion syndrome 13 (encephalomyopathic type). Identifiers: Orphanet 369897, MedGen C3809592, MONDO:0014198, OMIM 615471.

Allele frequency attached by ClinVar (database versions not stated): ExAC 0.00001; gnomAD exomes 0.00001.
gnomAD v4.1: 2 of 1,612,954 alleles (0.00012%); highest among the groups gnomAD compares: Middle Eastern, 0.017%; no homozygotes.

Submission:

Wong Mito Lab, Molecular and Human Genetics, Baylor College of Medicine
Classification: Uncertain significance for Mitochondrial DNA depletion syndrome 13. Last evaluated: 2017-08-10. Review status: criteria provided, single submitter. Criteria: ACMG Guidelines, 2015. Collection method: reference population. Allele origin: germline.
Comment: The NM_012160.4:c.558C>G (NP_036292.2:p.Ser186=) [GRCH38: NC_000006.12:g.98917674G>C] variant in FBXL4 gene is interpretated to be a Uncertain Significance - Conflicting Evidence based on ACMG guidelines (PMID: 25741868). This variant meets one or more of the following evidence codes reported in the ACMG-guideline. PM2:This variant is absent in key population databases. BP4:Computational evidence/predictors indicate no impact on the FBXL4 structure, function, or protein-protein interaction. BP7:The variant is silent with non predicted splice impact. Based on this evidence code ClinGen Pathogenicity Calculator (PMID:28081714) suggested that the variant is Uncertain Significance - Conflicting Evidence.